The following is an entry in ClinVar:

NM_022124.6(CDH23):c.9556C>T (p.Arg3186Ter)

Gene: CDH23 (cadherin related 23; plus strand). Cytogenetic location: 10q22.1.
Variant type: single nucleotide variant.
Coding change: c.9556C>T on transcript NM_022124.6 (MANE Select); coding-DNA position 9556, C replaced by T.
Protein change: p.Arg3186Ter; replaces arginine 3186 with a stop codon.
Molecular consequence: nonsense.
Genome position (GRCh38, 1-based): chr10:71,812,813, C>T. VCF-style: chr10-71812813-C-T. GRCh37 (hg19) VCF-style: chr10-73572570-C-T.
Other names: c.2836C>T, p.Arg946Ter (NM_001171933.1, NM_001171934.1); c.247C>T, p.Arg83Ter (NM_001171935.1, NM_001171936.1); short protein forms R3186*, R946*, R83*.
Identifiers: ClinVar variation 228330 (VCV000228330.13), dbSNP rs773464867, ClinGen allele CA10576821.

ClinVar aggregate classification (germline): Pathogenic/Likely pathogenic. Review status: criteria provided, multiple submitters, no conflicts (2 of 4 stars). 6 submissions from 6 submitters: Pathogenic (4); Likely pathogenic (2). Last evaluated 2026-04-13.

Conditions:
Pituitary adenoma 5, multiple types. Identifiers: MedGen C4539685, MONDO:0054601, OMIM 617540.
Usher syndrome. Also called: Usher Syndromes; Usher's syndrome. Identifiers: Orphanet 886, MedGen CN469326, MeSH D052245, MONDO:0019501. Disease mechanism: loss of function.
CDH23-related disorder. Also called: CDH23-related condition; CDH23-related disorders.
Rare genetic deafness. Identifiers: Orphanet 96210, MedGen C5680250.

Allele frequency attached by ClinVar (database versions not stated): TOPMed below 0.00001.
gnomAD v4.1: 5 of 1,613,318 alleles (0.00031%); highest among the groups gnomAD compares: Admixed American, 0.0017%; no homozygotes.

Submissions (6):

PreventionGenetics, part of Exact Sciences
Classification: Pathogenic for CDH23-related condition. Last evaluated: 2026-04-13. Review status: criteria provided, single submitter. Criteria: ACMG Guidelines, 2015. Collection method: clinical testing. Allele origin: germline.
Comment: The CDH23 c.9556C>T variant is predicted to result in premature protein termination (p.Arg3186*). To our knowledge, this variant has not been reported in the literature. This variant is reported in 0.0029% of alleles in individuals of Latino descent in gnomAD. Nonsense variants in CDH23 are expected to be pathogenic. This variant is interpreted as pathogenic.

Women's Health and Genetics/Laboratory Corporation of America, LabCorp
Classification: Pathogenic for Usher syndrome. Last evaluated: 2025-12-24. Review status: criteria provided, single submitter. Criteria: LabCorp Variant Classification Summary - May 2015. Collection method: clinical testing. Allele origin: germline.
Comment: Variant summary: CDH23 c.9556C>T (p.Arg3186X) results in a premature termination codon, predicted to cause absence of the protein due to nonsense mediated decay, which is a commonly known mechanism for disease. The variant allele was found at a frequency of 4e-06 in 247630 control chromosomes. c.9556C>T has been observed at a homozygous state in at-least one individual affected with multiple types Pituitary adenoma 5 and autosomal recessive Deafness 12 (example, Li_2024). These data indicate that the variant may be associated with disease. To our knowledge, no experimental evidence demonstrating an impact on protein function has been reported. The following publication has been ascertained in the context of this evaluation (PMID: 39640791). ClinVar contains an entry for this variant (Variation ID: 228330). Based on the evidence outlined above, the variant was classified as pathogenic.

Labcorp Genetics (formerly Invitae), Labcorp
Classification: Pathogenic. Last evaluated: 2025-03-30. Review status: criteria provided, single submitter. Criteria: Invitae Variant Classification Sherloc (09022015). Collection method: clinical testing. Allele origin: germline.
Comment: This sequence change creates a premature translational stop signal (p.Arg3186*) in the CDH23 gene. It is expected to result in an absent or disrupted protein product. Loss-of-function variants in CDH23 are known to be pathogenic (PMID: 11138009, 21940737). The frequency data for this variant in the population databases is considered unreliable, as metrics indicate poor data quality at this position in the gnomAD database. This variant has not been reported in the literature in individuals affected with CDH23-related conditions. ClinVar contains an entry for this variant (Variation ID: 228330). For these reasons, this variant has been classified as Pathogenic.

Baylor Genetics
Classification: Likely pathogenic for Pituitary adenoma 5, multiple types. Last evaluated: 2023-10-16. Review status: criteria provided, single submitter. Criteria: ACMG Guidelines, 2015. Collection method: clinical testing. Allele origin: unknown.

Blueprint Genetics
Classification: Likely pathogenic for CDH23-related disorders. Last evaluated: 2018-03-27. Review status: criteria provided, single submitter. Criteria: ACMG Guidelines, 2015. Collection method: clinical testing. Allele origin: germline. Affected: yes. Observed: 1 variant allele.

Laboratory for Molecular Medicine, Mass General Brigham Personalized Medicine
Classification: Pathogenic for Rare genetic deafness. Last evaluated: 2015-07-30. Review status: criteria provided, single submitter. Criteria: LMM Criteria. Collection method: clinical testing. Allele origin: germline. Inheritance: Autosomal recessive inheritance. Observed: 1 variant allele.
Comment: The p.Arg3186X variant in CDH23 has not been previously reported in individuals with hearing loss or Usher syndrome and was absent from large population studies . This nonsense variant leads to a premature termination codon at position 3186, which is predicted to lead to a truncated or absent protein. Loss of function o f the CDH23 gene is an established disease mechanism in autosomal recessive Ushe r syndrome type 1D. In summary, this variant meets our criteria to be classified as pathogenic for Usher syndrome based on the predicted impact of the variant.

Literature cited by the submitters: PubMed 39640791 (cited by Women's Health and Genetics/Laboratory Corporation of America, LabCorp); PubMed 11138009 (cited by Labcorp Genetics (formerly Invitae), Labcorp); PubMed 21940737 (cited by Labcorp Genetics (formerly Invitae), Labcorp).